The following is an entry in ClinVar:

NC_000003.12:g.169764716C>A

Genes: TERC (telomerase RNA component; minus strand), LOC110806306 (telomerase RNA component (TERC) promoter; plus strand). Cytogenetic location: 3q26.2.
Variant type: single nucleotide variant.
Genome position: GRCh38 VCF-style: chr3-169764716-C-A. GRCh37 (hg19) VCF-style: chr3-169482504-C-A.
Identifiers: ClinVar variation 2049539 (VCV002049539.4), dbSNP rs2108182881, ClinGen allele CA436714986.

ClinVar aggregate classification (germline): Uncertain significance (1 of 4 stars; one submission).

Conditions:
Dyskeratosis congenita, autosomal dominant 1 (DKCA1). Also called: Dyskeratosis congenita Scoggins type. Identifiers: Orphanet 1775, MedGen C4551974, MONDO:0007485, OMIM 127550. Inheritance: Variable.

Submission:

Labcorp Genetics (formerly Invitae), Labcorp
Classification: Uncertain significance for Dyskeratosis congenita, autosomal dominant 1. Last evaluated: 2025-10-26. Review status: criteria provided, single submitter. Criteria: Invitae Variant Classification Sherloc (09022015). Collection method: clinical testing. Allele origin: germline.
Comment: This variant occurs in the TERC gene, which encodes an RNA molecule that does not result in a protein product. This variant is not present in population databases (gnomAD no frequency). This variant has not been reported in the literature in individuals affected with TERC-related conditions. ClinVar contains an entry for this variant (Variation ID: 2049539). Experimental studies and prediction algorithms are not available or were not evaluated, and the functional significance of this variant is currently unknown. This variant is located within the BoxH/ACA scaRNA domain of the TERC RNA component, which is required for telomerase activity (PMID: 21844345). In summary, the available evidence is currently insufficient to determine the role of this variant in disease. Therefore, it has been classified as a Variant of Uncertain Significance.

Literature cited by the submitters: PubMed 21844345.